The following is an entry in ClinVar:

ClinVar aggregate classification (germline): Uncertain significance (1 of 4 stars; one submission).

Conditions:
Familial sleep-related hypermotor epilepsy. Also called: Autosomal Dominant Sleep-Related Hypermotor (Hyperkinetic) Epilepsy. Identifiers: Orphanet 98784, MedGen C3696898, MONDO:0000030.

Submission:

Labcorp Genetics (formerly Invitae), Labcorp
Classification: Uncertain significance. Last evaluated: 2019-11-04. Review status: criteria provided, single submitter. Criteria: Invitae Variant Classification Sherloc (09022015). Collection method: clinical testing. Allele origin: germline.
Comment: This variant results in a copy number gain of the genomic region encompassing the full coding sequence of the CHRNA4 gene. The boundaries of this event are unknown as they extend beyond the assayed region for this gene and therefore may encompass additional genes. As the precise location of this event is unknown, it may be in tandem or it may be located elsewhere in the genome. Isolated whole-gene copy number gains of CHRNA4 have not been reported in the literature. However, larger copy number events that include this gene have been reported (PMID: 25921748). Experimental studies and prediction algorithms are not available for this variant, and the functional significance of the affected amino acid(s) is currently unknown. In summary, the available evidence is currently insufficient to determine the role of this variant in disease. Therefore, it has been classified as a Variant of Uncertain Significance.

Literature cited by the submitters: PubMed 25921748.

NC_000020.10:g.(?_61977556)_(62562941_?)dup

Genes: DNAJC5 (DnaJ heat shock protein family (Hsp40) member C5; plus strand), EEF1A2 (eukaryotic translation elongation factor 1 alpha 2; minus strand), FNDC11 (fibronectin type III domain containing 11; plus strand), GMEB2 (glucocorticoid modulatory element binding protein 2; minus strand), SRMS (src-related kinase lacking C-terminal regulatory tyrosine and N-terminal myristylation sites; minus strand) and 15 more. Cytogenetic location: 20q13.33.
Variant type: Duplication.
Identifiers: ClinVar variation 833250 (VCV000833250.1).